The following is an entry in ClinVar:

ClinVar aggregate classification (germline): Benign/Likely benign. Review status: criteria provided, multiple submitters, no conflicts (2 of 4 stars). 3 submissions from 3 submitters: Benign (1); Likely benign (2). Last evaluated 2025-10-23.

Conditions:
Hereditary cancer-predisposing syndrome. Also called: Neoplastic Syndromes, Hereditary; Tumor predisposition; Hereditary neoplastic syndrome; Hereditary Cancer Syndrome. Identifiers: Orphanet 140162, MedGen C0027672, MeSH D009386, MONDO:0015356.
Renal cell carcinoma. Identifiers: Orphanet 217071, MedGen C0007134, MeSH D002292, MONDO:0005086, HP:0005584.
Papillary renal cell carcinoma type 1 (RCCP1). Also called: Renal adenocarcinoma; Renal cell carcinoma 1; Renal cell carcinoma, somatic; RENAL CELL CARCINOMA, PAPILLARY, 1, SOMATIC. Identifiers: Orphanet 47044, MedGen C1336839, OMIM 605074, HP:0011797.

Allele frequency attached by ClinVar (database versions not stated): gnomAD exomes 0.00001.
gnomAD v4.1: 8 of 1,614,160 alleles (0.0005%); highest among the groups gnomAD compares: Non-Finnish European, 0.00068%; no homozygotes.

Submissions (3):

Labcorp Genetics (formerly Invitae), Labcorp
Classification: Likely benign for Renal cell carcinoma. Last evaluated: 2025-10-23. Review status: criteria provided, single submitter. Criteria: Invitae Variant Classification Sherloc (09022015). Collection method: clinical testing. Allele origin: germline.

Myriad Genetics, Inc.
Classification: Benign for Papillary renal cell carcinoma type 1. Last evaluated: 2024-11-14. Review status: criteria provided, single submitter. Criteria: Myriad Autosomal Dominant, Autosomal Recessive and X-Linked Classification Criteria (2023). Collection method: clinical testing. Allele origin: unknown.
Comment: This variant is considered benign. This variant is a silent/synonymous amino acid change and it is not expected to impact splicing.

Ambry Genetics
Classification: Likely benign for Hereditary cancer-predisposing syndrome. Last evaluated: 2019-03-15. Review status: criteria provided, single submitter. Criteria: Ambry Variant Classification Scheme 2023. Collection method: clinical testing. Allele origin: germline.

NM_000245.4(MET):c.3735G>A (p.Leu1245=)

Gene: MET (MET proto-oncogene, receptor tyrosine kinase; plus strand). Cytogenetic location: 7q31.2.
Variant type: single nucleotide variant.
Coding change: c.3735G>A on transcript NM_000245.4 (MANE Select); coding-DNA position 3735, G replaced by A.
Protein change: p.Leu1245=; no amino-acid change (leucine 1245 retained).
Molecular consequence: synonymous variant.
Genome position (GRCh38, 1-based): chr7:116,783,406, G>A. VCF-style: chr7-116783406-G-A. GRCh37 (hg19) VCF-style: chr7-116423460-G-A.
Other names: c.3789G>A, p.Leu1263= (NM_001127500.3); c.2445G>A, p.Leu815= (NM_001324402.2).
Identifiers: ClinVar variation 824207 (VCV000824207.14), dbSNP rs1323787899, ClinGen allele CA457219497.